The following is an entry in ClinVar:

NM_013275.6(ANKRD11):c.226+5C>A

Gene: ANKRD11 (ankyrin repeat domain 11; minus strand). Cytogenetic location: 16q24.3.
Variant type: single nucleotide variant.
Coding change: c.226+5C>A on transcript NM_013275.6 (MANE Select); 5 bases into the intron after coding-DNA position 226, C replaced by A.
Molecular consequence: intron variant.
Genome position (GRCh38, 1-based): chr16:89,305,201, G>T on the plus strand (C>A on the coding strand, the complement: ANKRD11 is on the minus strand). VCF-style: chr16-89305201-G-T. GRCh37 (hg19) VCF-style: chr16-89371609-G-T.
Other names: c.226+5C>A (NM_001256183.2, NM_001256182.2).
Identifiers: ClinVar variation 1926669 (VCV001926669.5), dbSNP rs762062403, ClinGen allele CA2580092261.

ClinVar aggregate classification (germline): Uncertain significance (1 of 4 stars; one submission).

Conditions:
KBG syndrome (KBGS). Also called: ANKRD11-Related KBG Syndrome. Identifiers: Orphanet 2332, MedGen C0220687, MONDO:0007846, OMIM 148050.

gnomAD v4.1: 2 of 1,611,504 alleles (0.00012%); highest among the groups gnomAD compares: South Asian, 0.0011%; no homozygotes.

Submission:

Labcorp Genetics (formerly Invitae), Labcorp
Classification: Uncertain significance for KBG syndrome. Last evaluated: 2022-08-24. Review status: criteria provided, single submitter. Criteria: Invitae Variant Classification Sherloc (09022015). Collection method: clinical testing. Allele origin: germline.
Comment: This variant has not been reported in the literature in individuals affected with ANKRD11-related conditions. This variant is not present in population databases (gnomAD no frequency). This sequence change falls in intron 4 of the ANKRD11 gene. It does not directly change the encoded amino acid sequence of the ANKRD11 protein. It affects a nucleotide within the consensus splice site. Variants that disrupt the consensus splice site are a relatively common cause of aberrant splicing (PMID: 17576681, 9536098). Algorithms developed to predict the effect of sequence changes on RNA splicing suggest that this variant is not likely to affect RNA splicing. In summary, the available evidence is currently insufficient to determine the role of this variant in disease. Therefore, it has been classified as a Variant of Uncertain Significance.

Literature cited by the submitters: PubMed 17576681; PubMed 9536098.